The following is an entry in ClinVar:

NM_001943.5(DSG2):c.893C>T (p.Ala298Val)

Gene: DSG2 (desmoglein 2; plus strand). Cytogenetic location: 18q12.1.
Variant type: single nucleotide variant.
Coding change: c.893C>T on transcript NM_001943.5 (MANE Select); coding-DNA position 893, C replaced by T.
Protein change: p.Ala298Val; replaces alanine 298 with valine.
Molecular consequence: missense variant.
Genome position (GRCh38, 1-based): chr18:31,524,767, C>T. VCF-style: chr18-31524767-C-T. GRCh37 (hg19) VCF-style: chr18-29104730-C-T.
Other names: short protein forms A298V.
Identifiers: ClinVar variation 3073237 (VCV003073237.2), dbSNP rs1356039985, ClinGen allele CA402135597.

ClinVar aggregate classification (germline): Uncertain significance. Review status: criteria provided, multiple submitters, no conflicts (2 of 4 stars). 2 submissions from 2 submitters: Uncertain significance (2). Last evaluated 2025-07-30.

Conditions:
Arrhythmogenic right ventricular cardiomyopathy (ARVD). Also called: Arrhythmogenic right ventricular dysplasia; Cardiomyopathy, ARVC; Arrhythmogenic cardiomyopathy; Arrhythmogenic Right Ventricular Cardiomyopathy (ARVC). Identifiers: Orphanet 247, MedGen C0349788, MeSH D019571, MONDO:0016587. Disease mechanism: loss of function. Inheritance: Various modes of inheritance.
Cardiovascular phenotype. Identifiers: MedGen CN230736.

gnomAD v4.1: 1 of 1,614,086 alleles (0.000062%); highest among the groups gnomAD compares: Admixed American, 0.0017%; no homozygotes.

Submissions (2):

Ambry Genetics
Classification: Uncertain significance for Cardiovascular phenotype. Last evaluated: 2025-07-30. Review status: criteria provided, single submitter. Criteria: Ambry Variant Classification Scheme 2023. Collection method: clinical testing. Allele origin: germline.
Comment: The p.A298V variant (also known as c.893C>T), located in coding exon 8 of the DSG2 gene, results from a C to T substitution at nucleotide position 893. The alanine at codon 298 is replaced by valine, an amino acid with similar properties. This amino acid position is conserved. In addition, this alteration is predicted to be tolerated by in silico analysis. Based on the available evidence, the clinical significance of this variant remains unclear.

All of Us Research Program, National Institutes of Health
Classification: Uncertain significance for Arrhythmogenic right ventricular cardiomyopathy. Last evaluated: 2023-08-28. Review status: criteria provided, single submitter. Criteria: ACMG Guidelines, 2015. Collection method: clinical testing. Allele origin: germline. Inheritance: Autosomal dominant inheritance. Observed: 1 variant allele, 1 heterozygote.
Comment: This missense variant replaces alanine with valine at codon 298 of the DSG2 protein. Computational prediction suggests that this variant may not impact protein structure and function (internally defined REVEL score threshold <= 0.5, PMID: 27666373). To our knowledge, functional studies have not been reported for this variant. This variant has not been reported in individuals affected with DSG2-related disorders in the literature. This variant has been identified in 1/249410 chromosomes in the general population by the Genome Aggregation Database (gnomAD). The available evidence is insufficient to determine the role of this variant in disease conclusively. Therefore, this variant is classified as a Variant of Uncertain Significance.

This study involves interpretation of variants in research participants for the purpose of population health screening. Participant phenotype was not available at the time of variant classification. Additional details can be found in publication PMID: 35346344, PMCID: PMC8962531